The following is an entry in ClinVar:

ClinVar aggregate classification (germline): Uncertain significance. Review status: criteria provided, multiple submitters, no conflicts (2 of 4 stars). 3 submissions from 3 submitters: Uncertain significance (3). Last evaluated 2025-01-29.

Conditions:
Inborn genetic diseases. Identifiers: MedGen C0950123, MeSH D030342.
Bartter disease type 1. Also called: Bartter Syndrome type 1; HYPERPROSTAGLANDIN E SYNDROME 1; HYPOKALEMIC ALKALOSIS WITH HYPERCALCIURIA 1, ANTENATAL; Bartter syndrome, type 1, antenatal. Identifiers: Orphanet 112, Orphanet 620217, MedGen C1866495, MONDO:0100344, OMIM 601678, MONDO:0011127.

Allele frequency attached by ClinVar (database versions not stated): ExAC 0.00006; gnomAD 0.00009; ESP Exome Variant Server 0.00023.
gnomAD v4.1: 63 of 1,604,704 alleles (0.0039%); highest among the groups gnomAD compares: African/African-American, 0.056%; no homozygotes.

Submissions (3):

Women's Health and Genetics/Laboratory Corporation of America, LabCorp
Classification: Uncertain significance. Last evaluated: 2025-01-29. Review status: criteria provided, single submitter. Criteria: LabCorp Variant Classification Summary - May 2015. Collection method: clinical testing. Allele origin: germline.
Comment: Variant summary: SLC12A1 c.2006A>C (p.Glu669Ala) results in a non-conservative amino acid change located in the amino acid permease domain (IPR004841) of the encoded protein sequence. Three of five in-silico tools predict a damaging effect of the variant on protein function. The variant allele was found at a frequency of 1.7e-05 in 235166 control chromosomes. The available data on variant occurrences in the general population are insufficient to allow any conclusion about variant significance. To our knowledge, no occurrence of c.2006A>C in individuals affected with Bartter Syndrome, Type 1 and no experimental evidence demonstrating its impact on protein function have been reported. ClinVar contains an entry for this variant (Variation ID: 2355273). Based on the evidence outlined above, the variant was classified as uncertain significance.

Fulgent Genetics
Classification: Uncertain significance for Bartter disease type 1. Last evaluated: 2024-04-10. Review status: criteria provided, single submitter. Criteria: ACMG Guidelines, 2015. Collection method: clinical testing. Allele origin: germline.

Ambry Genetics
Classification: Uncertain significance for Inborn genetic diseases. Last evaluated: 2022-07-06. Review status: criteria provided, single submitter. Criteria: Ambry Variant Classification Scheme 2023. Collection method: clinical testing. Allele origin: germline.

NM_000338.3(SLC12A1):c.2006A>C (p.Glu669Ala)

Gene: SLC12A1 (solute carrier family 12 member 1; plus strand). Cytogenetic location: 15q21.1.
Variant type: single nucleotide variant.
Coding change: c.2006A>C on transcript NM_000338.3 (MANE Select); coding-DNA position 2006, A replaced by C.
Protein change: p.Glu669Ala; replaces glutamic acid 669 with alanine.
Molecular consequence: missense variant.
Genome position (GRCh38, 1-based): chr15:48,255,874, A>C. VCF-style: chr15-48255874-A-C. GRCh37 (hg19) VCF-style: chr15-48548071-A-C.
Other names: c.2006A>C, p.Glu669Ala (NM_001184832.2, NM_001384136.1); short protein forms E669A.
Identifiers: ClinVar variation 2355273 (VCV002355273.5), dbSNP rs375675843, ClinGen allele CA7547258.